The following is an entry in ClinVar:

NM_000222.3(KIT):c.1502C>T (p.Ser501Phe)

Gene: KIT (KIT proto-oncogene, receptor tyrosine kinase; plus strand). Cytogenetic location: 4q12.
Variant type: single nucleotide variant.
Coding change: c.1502C>T on transcript NM_000222.3 (MANE Select); coding-DNA position 1502, C replaced by T.
Protein change: p.Ser501Phe; replaces serine 501 with phenylalanine.
Molecular consequence: missense variant.
Genome position (GRCh38, 1-based): chr4:54,726,012, C>T. VCF-style: chr4-54726012-C-T. GRCh37 (hg19) VCF-style: chr4-55592178-C-T.
Other names: c.1502C>T, p.Ser501Phe (NM_001093772.2, NM_001385285.1, NM_001385286.1); c.1505C>T, p.Ser502Phe (NM_001385284.1, NM_001385288.1, NM_001385290.1 and 1 more transcripts); short protein forms S502F, S501F.
Identifiers: ClinVar variation 3728971 (VCV003728971.2).

ClinVar aggregate classification (germline): Uncertain significance (1 of 4 stars; one submission).

Conditions:
Gastrointestinal stromal tumor. Also called: Gastrointestinal stromal tumor, somatic; Gastrointestinal stroma tumor. Identifiers: Orphanet 44890, MedGen C0238198, MeSH D046152, MONDO:0011719, OMIM 606764, HP:0100723.

Submission:

Labcorp Genetics (formerly Invitae), Labcorp
Classification: Uncertain significance for Gastrointestinal stromal tumor. Last evaluated: 2025-01-14. Review status: criteria provided, single submitter. Criteria: Invitae Variant Classification Sherloc (09022015). Collection method: clinical testing. Allele origin: germline.
Comment: This sequence change replaces serine, which is neutral and polar, with phenylalanine, which is neutral and non-polar, at codon 501 of the KIT protein (p.Ser501Phe). This variant is not present in population databases (gnomAD no frequency). This variant has not been reported in the literature in individuals affected with KIT-related conditions. An algorithm developed to predict the effect of missense changes on protein structure and function (PolyPhen-2) suggests that this variant is likely to be disruptive. In summary, the available evidence is currently insufficient to determine the role of this variant in disease. Therefore, it has been classified as a Variant of Uncertain Significance.